The following is an entry in ClinVar:

NM_000059.4(BRCA2):c.66A>T (p.Ala22=)

Gene: BRCA2 (BRCA2 DNA repair associated; plus strand). Cytogenetic location: 13q13.1.
Variant type: single nucleotide variant.
Coding change: c.66A>T on transcript NM_000059.4 (MANE Select); coding-DNA position 66, A replaced by T.
Protein change: p.Ala22=; no amino-acid change (alanine 22 retained).
Molecular consequence: synonymous variant.
Genome position (GRCh38, 1-based): chr13:32,316,526, A>T. VCF-style: chr13-32316526-A-T. GRCh37 (hg19) VCF-style: chr13-32890663-A-T.
Identifiers: ClinVar variation 438999 (VCV000438999.28), dbSNP rs1555280115, ClinGen allele CA483272673.

ClinVar aggregate classification (germline): Uncertain significance. Review status: criteria provided, multiple submitters, no conflicts (2 of 4 stars). 6 submissions from 6 submitters: Uncertain significance (6). Last evaluated 2025-10-02.

Conditions:
Breast-ovarian cancer, familial, susceptibility to, 2 (BROVCA2). Also called: BRCA2 Hereditary Breast and Ovarian Cancer. Identifiers: Orphanet 145, MedGen C2675520, MONDO:0012933, OMIM 612555. Disease mechanism: loss of function.
Hereditary cancer-predisposing syndrome. Also called: Hereditary Cancer Syndrome; Hereditary neoplastic syndrome; Tumor predisposition; Neoplastic Syndromes, Hereditary. Identifiers: Orphanet 140162, MedGen C0027672, MeSH D009386, MONDO:0015356.
Hereditary breast ovarian cancer syndrome. Also called: Hereditary breast and ovarian cancer syndrome; BRCA1- and BRCA2-Associated Hereditary Breast and Ovarian Cancer; Hereditary breast and ovarian cancer syndrome (HBOC); Hereditary breast and/or ovarian cancer syndrome; Hereditary breast and ovarian cancer; Breast and ovarian cancer. Identifiers: Orphanet 145, MedGen C0677776, MeSH D061325, MONDO:0003582. Disease mechanism: loss of function.

Allele frequency attached by ClinVar (database versions not stated): gnomAD exomes below 0.00001.
gnomAD v4.1: 1 of 1,613,208 alleles (0.000062%); highest among the groups gnomAD compares: Non-Finnish European, 0.000085%; no homozygotes.

Submissions (6):

Labcorp Genetics (formerly Invitae), Labcorp
Classification: Uncertain significance for Hereditary breast ovarian cancer syndrome. Last evaluated: 2025-10-02. Review status: criteria provided, single submitter. Criteria: Invitae Variant Classification Sherloc (09022015). Collection method: clinical testing. Allele origin: germline.
Comment: This sequence change affects codon 22 of the BRCA2 mRNA. It is a 'silent' change, meaning that it does not change the encoded amino acid sequence of the BRCA2 protein. It affects a nucleotide within the consensus splice site. This variant is not present in population databases (gnomAD no frequency). This variant has not been reported in the literature in individuals affected with BRCA2-related conditions. ClinVar contains an entry for this variant (Variation ID: 438999). RNA analysis performed to evaluate the impact of this variant on mRNA splicing indicates it does not significantly alter splicing (internal data). In summary, the available evidence is currently insufficient to determine the role of this variant in disease. Therefore, it has been classified as a Variant of Uncertain Significance.

Women's Health and Genetics/Laboratory Corporation of America, LabCorp
Classification: Uncertain significance. Last evaluated: 2025-07-10. Review status: criteria provided, single submitter. Criteria: LabCorp Variant Classification Summary - May 2015. Collection method: clinical testing. Allele origin: germline.
Comment: Variant summary: BRCA2 c.66A>T (p.Ala22Ala) alters a conserved nucleotide located close to a canonical splice site and therefore could affect mRNA splicing, leading to a significantly altered protein sequence. Several computational tools predict a significant impact on normal splicing: Two predict the variant abolishes the canonical 5' splicing donor site. One predict the variant weakens the canonical 5' donor site. One predict the variant no significant impact on splicing. The variant was absent in 250582 control chromosomes. The available data on variant occurrences in the general population are insufficient to allow any conclusion about variant significance. To our knowledge, no occurrence of c.66A>T in individuals affected with Hereditary Breast And Ovarian Cancer Syndrome has been reported. At least one publication reports experimental evidence evaluating an impact on protein function. The most pronounced variant effect results in less than 25% of variant/WT ratios under cisplatin and MMC treatment by a quantitative CRISPR-Select approach, but under normal cell-culturing conditions and PARPi treatment, such ratios were close to WT (Bose_2025). Further, RNA analysis performed to evaluate the impact of this variant on mRNA splicing indicated it does not significantly alter splicing (internal data). The following publications has been ascertained in the context of this evaluation (PMID: 40232841). ClinVar contains an entry for this variant (Variation ID: 438999). Based on the evidence outlined above, the variant was classified as uncertain significance.

Ambry Genetics
Classification: Uncertain significance for Hereditary cancer-predisposing syndrome. Last evaluated: 2025-04-15. Review status: criteria provided, single submitter. Criteria: Ambry Variant Classification Scheme 2023. Collection method: clinical testing. Allele origin: germline.
Comment: The c.66A>T variant (also known as p.A22A), located in coding exon 1 of the BRCA2 gene, results from an A to T substitution at nucleotide position 66. This nucleotide substitution does not change the alanine at codon 22. This nucleotide position is highly conserved in available vertebrate species. In silico splice site analysis predicts that this alteration may weaken the native splice donor site; however, direct evidence is insufficient at this time (Ambry internal data). Based on the available evidence, the clinical significance of this variant remains unclear.

All of Us Research Program, National Institutes of Health
Classification: Uncertain significance for Breast-ovarian cancer, familial, susceptibility to, 2. Last evaluated: 2023-11-20. Review status: criteria provided, single submitter. Criteria: ACMG Guidelines, 2015. Collection method: clinical testing. Allele origin: germline. Inheritance: Autosomal dominant inheritance. Observed: 2 variant alleles, 2 heterozygotes.
Comment: This synonymous variant causes a A>T nucleotide change in the BRCA2 gene. Splice site prediction tools suggest that this variant may impact RNA splicing. To our knowledge, functional studies have not been reported for this variant. This variant has been reported in a multifactorial analysis with co-occurrence and family history likelihood ratios for pathogenicity of 1.0246 and 0.9357, respectively (PMID: 31131967). This variant has not been identified in the general population by the Genome Aggregation Database (gnomAD). The available evidence is insufficient to determine the role of this variant in disease conclusively. Therefore, this variant is classified as a Variant of Uncertain Significance.

This study involves interpretation of variants in research participants for the purpose of population health screening. Participant phenotype was not available at the time of variant classification. Additional details can be found in publication PMID: 35346344, PMCID: PMC8962531

Color Diagnostics, LLC DBA Color Health
Classification: Uncertain significance for Hereditary cancer-predisposing syndrome. Last evaluated: 2023-10-25. Review status: criteria provided, single submitter. Criteria: ACMG Guidelines, 2015. Collection method: clinical testing. Allele origin: germline.
Comment: This synonymous variant causes a A>T nucleotide change in the BRCA2 gene. Splice site prediction tools suggest that this variant may impact RNA splicing. To our knowledge, functional studies have not been reported for this variant. This variant has been reported in a multifactorial analysis with co-occurrence and family history likelihood ratios for pathogenicity of 1.0246 and 0.9357, respectively (PMID: 31131967). This variant has not been identified in the general population by the Genome Aggregation Database (gnomAD). The available evidence is insufficient to determine the role of this variant in disease conclusively. Therefore, this variant is classified as a Variant of Uncertain Significance.

Quest Diagnostics Nichols Institute San Juan Capistrano
Classification: Uncertain significance. Last evaluated: 2016-12-05. Review status: criteria provided, single submitter. Criteria: Quest Diagnostics criteria. Collection method: clinical testing. Allele origin: germline.

Literature cited by the submitters: PubMed 40232841 (cited by Women's Health and Genetics/Laboratory Corporation of America, LabCorp); PubMed 31131967 (cited by All of Us Research Program, National Institutes of Health and Color Diagnostics, LLC DBA Color Health).